The following is an entry in ClinVar:

ClinVar aggregate classification (germline): Uncertain significance (1 of 4 stars; one submission).

Allele frequency attached by ClinVar (database versions not stated): gnomAD exomes 0.00001 and 0.00002; ExAC 0.00002; gnomAD 0.00002 and 0.00004; TOPMed 0.00003.
gnomAD v4.1: 16 of 1,355,054 alleles (0.0012%); highest among the groups gnomAD compares: Admixed American, 0.0077%; no homozygotes.

Submission:

Labcorp Genetics (formerly Invitae), Labcorp
Classification: Uncertain significance. Last evaluated: 2022-07-19. Review status: criteria provided, single submitter. Criteria: Invitae Variant Classification Sherloc (09022015). Collection method: clinical testing. Allele origin: germline.
Comment: In summary, the available evidence is currently insufficient to determine the role of this variant in disease. Therefore, it has been classified as a Variant of Uncertain Significance. Algorithms developed to predict the effect of missense changes on protein structure and function are either unavailable or do not agree on the potential impact of this missense change (SIFT: "Tolerated"; PolyPhen-2: "Not Available"; Align-GVGD: "Class C0"). ClinVar contains an entry for this variant (Variation ID: 1433092). This variant has not been reported in the literature in individuals affected with ERCC6L2-related conditions. This variant is present in population databases (rs779037122, gnomAD 0.006%). This sequence change replaces arginine, which is basic and polar, with glutamine, which is neutral and polar, at codon 1266 of the ERCC6L2 protein (p.Arg1266Gln).

NM_020207.7(ERCC6L2):c.3764G>A (p.Arg1255Gln)

Gene: ERCC6L2 (ERCC excision repair 6 like 2; plus strand). Cytogenetic location: 9q22.32.
Variant type: single nucleotide variant.
Coding change: c.3764G>A on transcript NM_020207.7 (MANE Select); coding-DNA position 3764, G replaced by A.
Protein change: p.Arg1255Gln; replaces arginine 1255 with glutamine.
Molecular consequence: missense variant. On other transcripts: non-coding transcript variant (1), intron variant (2).
Genome position (GRCh38, 1-based): chr9:96,012,314, G>A. VCF-style: chr9-96012314-G-A. GRCh37 (hg19) VCF-style: chr9-98774596-G-A.
Other names: c.3674+7613G>A (NM_001375291.1, NM_001375292.1); short protein forms R1255Q.
Identifiers: ClinVar variation 1433092 (VCV001433092.4), dbSNP rs779037122, ClinGen allele CA5139996.